The following is an entry in ClinVar:

NM_000059.4(BRCA2):c.2404_2406del (p.Asn802del)

Gene: BRCA2 (BRCA2 DNA repair associated; plus strand). Cytogenetic location: 13q13.1.
Variant type: Deletion.
Coding change: c.2404_2406del on transcript NM_000059.4 (MANE Select); coding-DNA positions 2404 to 2406, 3 bases deleted (AAT; older notation c.2404_2406delAAT).
Protein change: p.Asn802del; deletes asparagine 802.
Molecular consequence: inframe deletion. On other transcripts: non-coding transcript variant (1), intron variant (2).
Genome position (GRCh38, 1-based): chr13:32,336,759-32,336,761, AAT deleted. VCF-style (leftmost placement, unchanged base first): chr13-32336758-CAAT-C. GRCh37 (hg19) VCF-style: chr13-32910895-CAAT-C.
Other names: c.2404_2406del, p.Asn802del (NM_001406719.1, NM_001406720.1); c.1909+3372_1909+3374del (NM_001406721.1); c.424+5729_424+5731del (NM_001406722.1); short protein forms N802del.
Identifiers: ClinVar variation 2774888 (VCV002774888.2), dbSNP rs2548523793, ClinGen allele CA2622601012.

ClinVar aggregate classification (germline): Uncertain significance (1 of 4 stars; one submission).

Conditions:
Hereditary cancer-predisposing syndrome. Also called: Neoplastic Syndromes, Hereditary; Tumor predisposition; Hereditary Cancer Syndrome; Hereditary neoplastic syndrome. Identifiers: Orphanet 140162, MedGen C0027672, MeSH D009386, MONDO:0015356.

Allele frequency attached by ClinVar (database versions not stated): gnomAD exomes below 0.00001.

Submission:

Color Diagnostics, LLC DBA Color Health
Classification: Uncertain significance for Hereditary cancer-predisposing syndrome. Last evaluated: 2022-12-13. Review status: criteria provided, single submitter. Criteria: ACMG Guidelines, 2015. Collection method: clinical testing. Allele origin: germline.
Comment: This variant causes an in-frame deletion of one amino acid in exon 11 of the BRCA2 protein. To our knowledge, functional studies have not been reported for this variant. This variant has not been reported in individuals affected with BRCA2-related disorders in the literature. This variant has not been identified in the general population by the Genome Aggregation Database (gnomAD). The available evidence is insufficient to determine the role of this variant in disease conclusively. Therefore, this variant is classified as a Variant of Uncertain Significance.